The following is an entry in ClinVar:

NM_138927.4(SON):c.1729T>C (p.Ser577Pro)

Gene: SON (SON DNA and RNA binding protein; plus strand). Cytogenetic location: 21q22.11.
Variant type: single nucleotide variant.
Coding change: c.1729T>C on transcript NM_138927.4 (MANE Select); coding-DNA position 1729, T replaced by C.
Protein change: p.Ser577Pro; replaces serine 577 with proline.
Molecular consequence: missense variant. On other transcripts: non-coding transcript variant (1), intron variant (1).
Genome position (GRCh38, 1-based): chr21:33,550,960, T>C. VCF-style: chr21-33550960-T-C. GRCh37 (hg19) VCF-style: chr21-34923266-T-C.
Other names: c.1729T>C, p.Ser577Pro (NM_001291411.2, NM_032195.3); c.244+4581T>C (NM_001291412.3); short protein forms S577P.
Identifiers: ClinVar variation 709171 (VCV000709171.14), dbSNP rs201669657, ClinGen allele CA10008968.

ClinVar aggregate classification (germline): Benign/Likely benign. Review status: criteria provided, multiple submitters, no conflicts (2 of 4 stars). 2 submissions from 2 submitters: Benign (1); Likely benign (1). Last evaluated 2026-09-01.

Allele frequency attached by ClinVar (database versions not stated): ESP Exome Variant Server 0.00008; gnomAD 0.00019 and 0.00021; 1000 Genomes Project 0.00020; 1000 Genomes Project 30x 0.00031; gnomAD exomes 0.00032 and 0.00159; TOPMed 0.00074; ExAC 0.00112.
gnomAD v4.1: 478 of 1,602,874 alleles (0.03%); highest among the groups gnomAD compares: Admixed American, 0.8%; 6 homozygotes.

Submissions (2):

CeGaT Center for Human Genetics Tuebingen
Classification: Likely benign. Last evaluated: 2026-09-01. Review status: criteria provided, single submitter. Criteria: CeGaT Center For Human Genetics Tuebingen Variant Classification Criteria Version 2. Collection method: clinical testing. Allele origin: germline. Affected: yes. Observed: 3 variant alleles.
Comment: SON: BS1

Labcorp Genetics (formerly Invitae), Labcorp
Classification: Benign. Last evaluated: 2026-01-28. Review status: criteria provided, single submitter. Criteria: Invitae Variant Classification Sherloc (09022015). Collection method: clinical testing. Allele origin: germline.